The following is an entry in ClinVar:

ClinVar aggregate classification (germline): Uncertain significance (1 of 4 stars; one submission).

Submission:

GeneDx
Classification: Uncertain significance. Last evaluated: 2024-01-04. Review status: criteria provided, single submitter. Criteria: GeneDx Variant Classification Process June 2021. Collection method: clinical testing. Allele origin: germline. Affected: yes.
Comment: Has not been previously published as pathogenic or benign to our knowledge; Not observed at significant frequency in large population cohorts (gnomAD); In silico analysis, which includes protein predictors and evolutionary conservation, supports a deleterious effect

NM_017654.4(SAMD9):c.2486T>C (p.Leu829Pro)

Gene: SAMD9 (sterile alpha motif domain containing 9; minus strand). Cytogenetic location: 7q21.2.
Variant type: single nucleotide variant.
Coding change: c.2486T>C on transcript NM_017654.4 (MANE Select); coding-DNA position 2486, T replaced by C.
Protein change: p.Leu829Pro; replaces leucine 829 with proline.
Molecular consequence: missense variant.
Genome position (GRCh38, 1-based): chr7:93,103,612, A>G on the plus strand (T>C on the coding strand, the complement: SAMD9 is on the minus strand). VCF-style: chr7-93103612-A-G. GRCh37 (hg19) VCF-style: chr7-92732925-A-G.
Other names: c.2486T>C, p.Leu829Pro (NM_001193307.2); short protein forms L829P.
Identifiers: ClinVar variation 1306328 (VCV001306328.3), dbSNP rs2116417371, ClinGen allele CA368190426.